The following is an entry in ClinVar:

NM_001110556.2(FLNA):c.1653del (p.Ile551fs)

Gene: FLNA (filamin A; minus strand). Cytogenetic location: Xq28.
Variant type: Deletion.
Coding change: c.1653del on transcript NM_001110556.2 (MANE Select); coding-DNA position 1653, one base deleted (C; older notation c.1653delC).
Protein change: p.Ile551fs; shifts the reading frame from isoleucine 551.
Molecular consequence: frameshift variant.
Genome position (GRCh38, 1-based): chrX:154,365,174, G deleted on the plus strand (C on the coding strand, the reverse complement: FLNA is on the minus strand). VCF-style (leftmost placement, unchanged base first): chrX-154365173-CG-C. GRCh37 (hg19) VCF-style: chrX-153593541-CG-C.
Other names: c.1653del, p.Ile551fs (NM_001456.4); short protein forms I551fs.
Identifiers: ClinVar variation 3755139 (VCV003755139.2).

ClinVar aggregate classification (germline): Pathogenic (1 of 4 stars; one submission).

Conditions:
Melnick-Needles syndrome (MNS). Also called: MELNICK-NEEDLES OSTEODYSPLASTY; OSTEODYSPLASTY OF MELNICK AND NEEDLES; Melnick-Needles Syndrome (FLNA-MNS). Identifiers: Orphanet 2484, MedGen C0025237, MONDO:0010650, OMIM 309350.
Frontometaphyseal dysplasia (FMD1). Identifiers: Orphanet 1826, MedGen C0265293, MONDO:0015942.
Heterotopia, periventricular, X-linked dominant (PVNH1). Also called: PERIVENTRICULAR NODULAR HETEROTOPIA 1; X-linked periventricular heterotopia; PERIVENTRICULAR NODULAR HETEROTOPIA 4; HETEROTOPIA, PERIVENTRICULAR, 1. Identifiers: Orphanet 2149, Orphanet 82004, MedGen C1848213, MONDO:0010233, OMIM 300049.
Oto-palato-digital syndrome, type II (OPD2). Also called: FACIOPALATOOSSEOUS SYNDROME; OPD II SYNDROME; Otopalatodigital Syndrome, Type II; Otopalatodigital Syndrome Type 2 (FLNA-OPD2). Identifiers: Orphanet 669, Orphanet 90652, MedGen C1844696, MONDO:0010571, OMIM 304120.

Submission:

Labcorp Genetics (formerly Invitae), Labcorp
Classification: Pathogenic for Oto-palato-digital syndrome, type II; Heterotopia, periventricular, X-linked dominant; Frontometaphyseal dysplasia; Melnick-Needles syndrome. Last evaluated: 2024-03-06. Review status: criteria provided, single submitter. Criteria: Invitae Variant Classification Sherloc (09022015). Collection method: clinical testing. Allele origin: germline.
Comment: This sequence change creates a premature translational stop signal (p.Ile551Metfs*18) in the FLNA gene. It is expected to result in an absent or disrupted protein product. Loss-of-function variants in FLNA are known to be pathogenic (PMID: 16684786, 20730588, 26471271). This variant is not present in population databases (gnomAD no frequency). This variant has not been reported in the literature in individuals affected with FLNA-related conditions. For these reasons, this variant has been classified as Pathogenic.

Literature cited by the submitters: PubMed 16684786; PubMed 20730588; PubMed 26471271.